The following is an entry in ClinVar:

ClinVar aggregate classification (germline): Pathogenic (1 of 4 stars; one submission).

Conditions:
Osteogenesis imperfecta (OI). Identifiers: Orphanet 666, MedGen C0029434, MeSH D010013, MONDO:0019019.

Submission:

Women's Health and Genetics/Laboratory Corporation of America, LabCorp
Classification: Pathogenic for Osteogenesis imperfecta. Last evaluated: 2026-06-12. Review status: criteria provided, single submitter. Criteria: LabCorp Variant Classification Summary - May 2015. Collection method: clinical testing. Allele origin: germline.
Comment: Variant summary: CRTAP c.55_70del16 (p.Cys19GlyfsX18) results in a premature termination codon, predicted to cause a truncation of the encoded protein or absence of the protein due to nonsense mediated decay, which are commonly known mechanisms for disease. The variant allele was found at a frequency of 2.8e-05 in 179860 control chromosomes. c.55_70del16 has been observed in at least one individual(s) with homozygous genotype affected with CRTAP-related conditions (Panigrahi_2020). These data indicate that the variant may be associated with disease. To our knowledge, no experimental evidence demonstrating an impact on protein function has been reported. The following publication has been ascertained in the context of this evaluation (PMID: 35186396). No submitters have cited clinical significance assessments for this variant in ClinVar. Based on the evidence outlined above, the variant was classified as pathogenic.

Literature cited by the submitters: PubMed 35186396.

NM_006371.5(CRTAP):c.55_70del (p.Cys19fs)

Genes: CRTAP (cartilage associated protein; plus strand), LOC129936436 (ATAC-STARR-seq lymphoblastoid silent region 14183; plus strand). Cytogenetic location: 3p22.3.
Variant type: Deletion.
Coding change: c.55_70del on transcript NM_006371.5 (MANE Select); coding-DNA positions 55 to 70, 16 bases deleted (TGCGCGCTGCGCGCCG).
Protein change: p.Cys19fs; shifts the reading frame from cysteine 19.
Molecular consequence: frameshift variant.
Genome position (GRCh38, 1-based): chr3:33,114,132-33,114,147, TGCGCGCTGCGCGCCG deleted. VCF-style (leftmost placement, unchanged base first): chr3-33114131-CTGCGCGCTGCGCGCCG-C. GRCh37 (hg19) VCF-style: chr3-33155623-CTGCGCGCTGCGCGCCG-C.
Other names: c.55_70del, p.Cys19fs (NM_001393363.1, NM_001393364.1, NM_001393365.1); c.55_70del16 (NM_006371.5); short protein forms C19fs.
Identifiers: ClinVar variation 4887318 (VCV004887318.1).